The following is an entry in ClinVar:

NM_001128840.3(CACNA1D):c.1267C>T (p.Gln423Ter)

Gene: CACNA1D (calcium voltage-gated channel subunit alpha1 D; plus strand). Cytogenetic location: 3p21.1.
Variant type: single nucleotide variant.
Coding change: c.1267C>T on transcript NM_001128840.3 (MANE Select); coding-DNA position 1267, C replaced by T.
Protein change: p.Gln423Ter; replaces glutamine 423 with a stop codon.
Molecular consequence: nonsense.
Genome position (GRCh38, 1-based): chr3:53,702,687, C>T. VCF-style: chr3-53702687-C-T. GRCh37 (hg19) VCF-style: chr3-53736714-C-T.
Other names: c.1267C>T, p.Gln423Ter (NM_000720.4, NM_001128839.3); short protein forms Q423*.
Identifiers: ClinVar variation 3727763 (VCV003727763.2).

ClinVar aggregate classification (germline): Uncertain significance (1 of 4 stars; one submission).

Submission:

Labcorp Genetics (formerly Invitae), Labcorp
Classification: Uncertain significance. Last evaluated: 2024-12-22. Review status: criteria provided, single submitter. Criteria: Invitae Variant Classification Sherloc (09022015). Collection method: clinical testing. Allele origin: germline.
Comment: This sequence change creates a premature translational stop signal (p.Gln423*) in the CACNA1D gene. It is expected to result in an absent or disrupted protein product. However, the current clinical and genetic evidence is not sufficient to establish whether loss-of-function variants in CACNA1D cause disease. This variant is not present in population databases (gnomAD no frequency). This variant has not been reported in the literature in individuals affected with CACNA1D-related conditions. In summary, the available evidence is currently insufficient to determine the role of this variant in disease. Therefore, it has been classified as a Variant of Uncertain Significance.